The following is an entry in ClinVar:

NM_025243.4(SLC19A3):c.662A>C (p.His221Pro)

Gene: SLC19A3 (solute carrier family 19 member 3; minus strand). Cytogenetic location: 2q36.3.
Variant type: single nucleotide variant.
Coding change: c.662A>C on transcript NM_025243.4 (MANE Select); coding-DNA position 662, A replaced by C.
Protein change: p.His221Pro; replaces histidine 221 with proline.
Molecular consequence: missense variant.
Genome position (GRCh38, 1-based): chr2:227,699,053, T>G on the plus strand (A>C on the coding strand, the complement: SLC19A3 is on the minus strand). VCF-style: chr2-227699053-T-G. GRCh37 (hg19) VCF-style: chr2-228563769-T-G.
Other names: short protein forms H221P.
Identifiers: ClinVar variation 215153 (VCV000215153.3), dbSNP rs863224203, ClinGen allele CA321122.

ClinVar aggregate classification (germline): Conflicting classifications of pathogenicity. Review status: criteria provided, conflicting classifications (1 of 4 stars). 2 submissions from 2 submitters: Uncertain significance (1); Likely benign (1). Last evaluated 2022-07-09.

Conditions:
Biotin-responsive basal ganglia disease (BTBGD). Also called: Thiamine metabolism dysfunction syndrome type 2; Thiamine Transporter-2 Deficiency; Thiamine metabolism dysfunction syndrome 2 (biotin- or thiamine-responsive encephalopathy type 2); thiamine-responsive encephalopathy; THIAMINE METABOLISM DYSFUNCTION SYNDROME 2 (BIOTIN- AND THIAMINE-RESPONSIVE TYPE). Identifiers: Orphanet 199348, Orphanet 65284, MedGen C1843807, MONDO:0011841, OMIM 607483.

Allele frequency attached by ClinVar (database versions not stated): gnomAD exomes below 0.00001; TOPMed 0.00006.
gnomAD v4.1: 10 of 1,614,098 alleles (0.00062%); highest among the groups gnomAD compares: Non-Finnish European, 0.00017%; no homozygotes.

Submissions (2):

Labcorp Genetics (formerly Invitae), Labcorp
Classification: Uncertain significance for Biotin-responsive basal ganglia disease. Last evaluated: 2022-07-09. Review status: criteria provided, single submitter. Criteria: Invitae Variant Classification Sherloc (09022015). Collection method: clinical testing. Allele origin: germline.
Comment: This sequence change replaces histidine, which is basic and polar, with proline, which is neutral and non-polar, at codon 221 of the SLC19A3 protein (p.His221Pro). The frequency data for this variant in the population databases is considered unreliable, as metrics indicate poor data quality at this position in the gnomAD database. This variant has not been reported in the literature in individuals affected with SLC19A3-related conditions. ClinVar contains an entry for this variant (Variation ID: 215153). Advanced modeling of protein sequence and biophysical properties (such as structural, functional, and spatial information, amino acid conservation, physicochemical variation, residue mobility, and thermodynamic stability) performed at Invitae indicates that this missense variant is not expected to disrupt SLC19A3 protein function. In summary, the available evidence is currently insufficient to determine the role of this variant in disease. Therefore, it has been classified as a Variant of Uncertain Significance.

GeneDx
Classification: Likely benign. Last evaluated: 2014-07-22. Review status: criteria provided, single submitter. Criteria: GeneDx Variant Classification (06012015). Collection method: clinical testing. Allele origin: germline. Affected: yes.
Comment: This variant is considered likely benign or benign based on one or more of the following criteria: it is a conservative change, it occurs at a poorly conserved position in the protein, it is predicted to be benign by multiple in silico algorithms, and/or has population frequency not consistent with disease.